The following is an entry in ClinVar:

NM_001277115.2(DNAH11):c.13257A>G (p.Gly4419=)

Gene: DNAH11 (dynein axonemal heavy chain 11; plus strand). Cytogenetic location: 7p15.3.
Variant type: single nucleotide variant.
Coding change: c.13257A>G on transcript NM_001277115.2 (MANE Select); coding-DNA position 13257, A replaced by G.
Protein change: p.Gly4419=; no amino-acid change (glycine 4419 retained).
Molecular consequence: synonymous variant.
Genome position (GRCh38, 1-based): chr7:21,900,074, A>G. VCF-style: chr7-21900074-A-G. GRCh37 (hg19) VCF-style: chr7-21939692-A-G.
Other names: p.Gly4419=.
Identifiers: ClinVar variation 257870 (VCV000257870.52), dbSNP rs200445638, ClinGen allele CA4183381.

ClinVar aggregate classification (germline): Likely benign. Review status: criteria provided, multiple submitters, no conflicts (2 of 4 stars). 6 submissions from 6 submitters: Likely benign (6). Last evaluated 2026-01-24.

Conditions:
Primary ciliary dyskinesia. Also called: Ciliary dyskinesia. Identifiers: Orphanet 244, MedGen C0008780, MONDO:0016575, HP:0012265.
Primary ciliary dyskinesia 7. Also called: CILIARY DYSKINESIA, PRIMARY, 7, WITH OR WITHOUT SITUS INVERSUS. Identifiers: Orphanet 244, MedGen C2678473, MONDO:0012748, OMIM 611884.

Allele frequency attached by ClinVar (database versions not stated): gnomAD 0.00100 and 0.00103; ESP Exome Variant Server 0.00125; 1000 Genomes Project 30x 0.00016; 1000 Genomes Project 0.00020; TOPMed 0.00091.
gnomAD v4.1: 2,331 of 1,613,942 alleles (0.14%); highest among the groups gnomAD compares: Non-Finnish European, 0.17%; 6 homozygotes.

Submissions (6):

Labcorp Genetics (formerly Invitae), Labcorp
Classification: Likely benign for Primary ciliary dyskinesia. Last evaluated: 2026-01-24. Review status: criteria provided, single submitter. Criteria: Invitae Variant Classification Sherloc (09022015). Collection method: clinical testing. Allele origin: germline.

Mayo Clinic Laboratories, Mayo Clinic
Classification: Likely benign. Last evaluated: 2025-08-29. Review status: criteria provided, single submitter. Criteria: ACMG Guidelines, 2015. Collection method: clinical testing. Allele origin: germline. Observed: 2 variant alleles.
Comment: BS2, BP4, BP5, BP7

CeGaT Center for Human Genetics Tuebingen
Classification: Likely benign. Last evaluated: 2025-06-01. Review status: criteria provided, single submitter. Criteria: CeGaT Center For Human Genetics Tuebingen Variant Classification Criteria Version 2. Collection method: clinical testing. Allele origin: germline. Affected: yes. Observed: 4 variant alleles.
Comment: DNAH11: BP4, BP7

Blueprint Genetics
Classification: Likely benign. Last evaluated: 2024-11-22. Review status: criteria provided, single submitter. Criteria: ACMG Guidelines, 2015. Collection method: clinical testing. Allele origin: germline.

ARUP Laboratories, Molecular Genetics and Genomics, ARUP Laboratories
Classification: Likely benign for Primary ciliary dyskinesia 7. Last evaluated: 2024-04-10. Review status: criteria provided, single submitter. Criteria: ARUP Molecular Germline Variant Investigation Process 2024. Collection method: clinical testing. Allele origin: germline.

PreventionGenetics, part of Exact Sciences
Classification: Likely benign. Review status: criteria provided, single submitter. Criteria: ACMG Guidelines, 2015. Collection method: clinical testing. Allele origin: germline.